The following is an entry in ClinVar:

NM_000142.5(FGFR3):c.159C>G (p.Ser53Arg)

Gene: FGFR3 (fibroblast growth factor receptor 3; plus strand). Cytogenetic location: 4p16.3.
Variant type: single nucleotide variant.
Coding change: c.159C>G on transcript NM_000142.5 (MANE Select); coding-DNA position 159, C replaced by G.
Protein change: p.Ser53Arg; replaces serine 53 with arginine.
Molecular consequence: missense variant. On other transcripts: non-coding transcript variant (1).
Genome position (GRCh38, 1-based): chr4:1,799,303, C>G. VCF-style: chr4-1799303-C-G. GRCh37 (hg19) VCF-style: chr4-1801030-C-G.
Other names: c.159C>G, p.Ser53Arg (NM_001354809.2, NM_001354810.2, NM_022965.4 and 1 more transcripts); short protein forms S53R.
Identifiers: ClinVar variation 3684765 (VCV003684765.2).

ClinVar aggregate classification (germline): Uncertain significance (1 of 4 stars; one submission).

Submission:

Labcorp Genetics (formerly Invitae), Labcorp
Classification: Uncertain significance. Last evaluated: 2024-10-30. Review status: criteria provided, single submitter. Criteria: Invitae Variant Classification Sherloc (09022015). Collection method: clinical testing. Allele origin: germline.
Comment: This sequence change replaces serine, which is neutral and polar, with arginine, which is basic and polar, at codon 53 of the FGFR3 protein (p.Ser53Arg). This variant is not present in population databases (gnomAD no frequency). This variant has not been reported in the literature in individuals affected with FGFR3-related conditions. Invitae Evidence Modeling of protein sequence and biophysical properties (such as structural, functional, and spatial information, amino acid conservation, physicochemical variation, residue mobility, and thermodynamic stability) has been performed for this missense variant. However, the output from this modeling did not meet the statistical confidence thresholds required to predict the impact of this variant on FGFR3 protein function. In summary, the available evidence is currently insufficient to determine the role of this variant in disease. Therefore, it has been classified as a Variant of Uncertain Significance.